The following is an entry in ClinVar:

ClinVar aggregate classification (germline): Benign (1 of 4 stars; one submission).

Allele frequency attached by ClinVar (database versions not stated): 1000 Genomes Project 0.01937; 1000 Genomes Project 30x 0.02030; TOPMed 0.04029; gnomAD 0.04125 and 0.04275.
gnomAD v4.1: 6,320 of 152,230 alleles (4.2%); highest among the groups gnomAD compares: Non-Finnish European, 5.8%; 180 homozygotes.

Submission:

GeneDx
Classification: Benign. Last evaluated: 2018-06-19. Review status: criteria provided, single submitter. Criteria: GeneDx Variant Classification (06012015). Collection method: clinical testing. Allele origin: germline. Affected: yes.
Comment: This variant is considered likely benign or benign based on one or more of the following criteria: it is a conservative change, it occurs at a poorly conserved position in the protein, it is predicted to be benign by multiple in silico algorithms, and/or has population frequency not consistent with disease.

NM_004637.6(RAB7A):c.181-270C>T

Gene: RAB7A (RAB7A, member RAS oncogene family; plus strand). Cytogenetic location: 3q21.3.
Variant type: single nucleotide variant.
Coding change: c.181-270C>T on transcript NM_004637.6 (MANE Select); 270 bases into the intron before coding-DNA position 181, C replaced by T.
Molecular consequence: intron variant.
Genome position (GRCh38, 1-based): chr3:128,806,102, C>T. VCF-style: chr3-128806102-C-T. GRCh37 (hg19) VCF-style: chr3-128524945-C-T.
Identifiers: ClinVar variation 671937 (VCV000671937.1), dbSNP rs73198862, ClinGen allele CA11482377.
Genomic context (GRCh38, chr3:128,806,102, plus strand): 5'-TTCCCAGAGTACCTAAGTTTTATTTATAGTTCAAATTTTACACACTTACCTACATGTGAC[C>T]ACTACTTGGATCAAGATATAAGAAATTTCTAGCACCCTGGAGATTGGACTCAATGTCACT-3'